The following is an entry in ClinVar:

ClinVar aggregate classification (germline): Likely benign (0 of 4 stars; one submission).

Conditions:
WDR48-related disorder. Also called: WDR48-related condition.

Allele frequency attached by ClinVar (database versions not stated): gnomAD exomes 0.00002; TOPMed 0.00002; gnomAD 0.00003; ExAC 0.00004.
gnomAD v4.1: 28 of 1,612,540 alleles (0.0017%); highest among the groups gnomAD compares: Middle Eastern, 0.017%; no homozygotes.

Submission:

PreventionGenetics, part of Exact Sciences
Classification: Likely benign for WDR48-related condition. Last evaluated: 2019-07-01. Review status: no assertion criteria provided. Collection method: clinical testing. Allele origin: germline.
Comment: This variant is classified as likely benign based on ACMG/AMP sequence variant interpretation guidelines (Richards et al. 2015 PMID: 25741868, with internal and published modifications).

NM_020839.4(WDR48):c.269-8T>G

Gene: WDR48 (WD repeat domain 48; plus strand). Cytogenetic location: 3p22.2.
Variant type: single nucleotide variant.
Coding change: c.269-8T>G on transcript NM_020839.4 (MANE Select); 8 bases into the intron before coding-DNA position 269, T replaced by G.
Molecular consequence: intron variant.
Genome position (GRCh38, 1-based): chr3:39,066,540, T>G. VCF-style: chr3-39066540-T-G. GRCh37 (hg19) VCF-style: chr3-39108031-T-G.
Other names: c.269-8T>G (NM_001346225.2); c.-127-8T>G (NM_001346227.2); c.269-35T>G (NM_001303403.2); c.98-8T>G (NM_001346226.2); c.23-8T>G (NM_001303402.2); c.59-8T>G (NM_001346228.2).
Identifiers: ClinVar variation 3043116 (VCV003043116.2), dbSNP rs768901448, ClinGen allele CA2322935.